The following is an entry in ClinVar:

ClinVar aggregate classification (germline): Uncertain significance (1 of 4 stars; one submission).

gnomAD v4.1: 12 of 1,613,818 alleles (0.00074%); highest among the groups gnomAD compares: African/African-American, 0.0013%; no homozygotes.

Submission:

Mayo Clinic Laboratories, Mayo Clinic
Classification: Uncertain significance. Last evaluated: 2025-03-24. Review status: criteria provided, single submitter. Criteria: ACMG Guidelines, 2015. Collection method: clinical testing. Allele origin: germline. Observed: 1 variant allele.
Comment: BP4

NM_001195248.2(APTX):c.218T>C (p.Ile73Thr)

Gene: APTX (aprataxin; minus strand). Cytogenetic location: 9p21.1.
Variant type: single nucleotide variant.
Coding change: c.218T>C on transcript NM_001195248.2 (MANE Select); coding-DNA position 218, T replaced by C.
Protein change: p.Ile73Thr; replaces isoleucine 73 with threonine.
Molecular consequence: missense variant. On other transcripts: 5 prime UTR variant (8), non-coding transcript variant (3), intron variant (4).
Genome position (GRCh38, 1-based): chr9:32,987,809, A>G on the plus strand (T>C on the coding strand, the complement: APTX is on the minus strand). VCF-style: chr9-32987809-A-G. GRCh37 (hg19) VCF-style: chr9-32987807-A-G.
Other names: p.Ile73Thr; c.218T>C, p.Ile73Thr (NM_001368997.1, NM_001368998.1, NM_001368999.1 and 7 more transcripts); c.-47T>C (NM_001369002.1, NM_001369003.1, NM_001369004.1 and 5 more transcripts); c.134-78T>C (NM_001369001.1, NM_001369000.1, NM_001195250.2 and 1 more transcripts); short protein forms I73T.
Identifiers: ClinVar variation 4541425 (VCV004541425.1).